The following is an entry in ClinVar:

NM_001127222.2(CACNA1A):c.2953C>G (p.Pro985Ala)

Gene: CACNA1A (calcium voltage-gated channel subunit alpha1 A; minus strand). Cytogenetic location: 19p13.13.
Variant type: single nucleotide variant.
Coding change: c.2953C>G on transcript NM_001127222.2 (MANE Select); coding-DNA position 2953, C replaced by G.
Protein change: p.Pro985Ala; replaces proline 985 with alanine.
Molecular consequence: missense variant.
Genome position (GRCh38, 1-based): chr19:13,298,680, G>C on the plus strand (C>G on the coding strand, the complement: CACNA1A is on the minus strand). VCF-style: chr19-13298680-G-C. GRCh37 (hg19) VCF-style: chr19-13409494-G-C.
Other names: c.2965C>G, p.Pro989Ala (NM_000068.4, NM_023035.3); c.2956C>G, p.Pro986Ala (NM_001127221.2, NM_001174080.2); short protein forms P985A, P986A, P989A.
Identifiers: ClinVar variation 3750727 (VCV003750727.2).

ClinVar aggregate classification (germline): Uncertain significance (1 of 4 stars; one submission).

Conditions:
Episodic ataxia type 2 (EA2). Also called: ACETAZOLAMIDE-RESPONSIVE HEREDITARY PAROXYSMAL CEREBELLAR ATAXIA; ATAXIA, EPISODIC, WITH NYSTAGMUS; ATAXIA, FAMILIAL PAROXYSMAL; CEREBELLAR ATAXIA, PAROXYSMAL, ACETAZOLAMIDE-RESPONSIVE; CEREBELLOPATHY, HEREDITARY PAROXYSMAL; EPISODIC ATAXIA, NYSTAGMUS-ASSOCIATED. Identifiers: Orphanet 97, MedGen C1720416, MONDO:0007163, OMIM 108500.
Developmental and epileptic encephalopathy, 42 (DEE42A). Also called: Epileptic encephalopathy, early infantile, 42; DEVELOPMENTAL AND EPILEPTIC ENCEPHALOPATHY 42A; EPILEPTIC ENCEPHALOPATHY, EARLY INFANTILE, 42A. Identifiers: MedGen C4310716, MONDO:0014917, OMIM 617106.

gnomAD v4.1: 2 of 1,471,126 alleles (0.00014%); highest among the groups gnomAD compares: Non-Finnish European, 0.00018%; no homozygotes.

Submission:

Labcorp Genetics (formerly Invitae), Labcorp
Classification: Uncertain significance for Developmental and epileptic encephalopathy, 42; Episodic ataxia type 2. Last evaluated: 2024-05-06. Review status: criteria provided, single submitter. Criteria: Invitae Variant Classification Sherloc (09022015). Collection method: clinical testing. Allele origin: germline.
Comment: This sequence change replaces proline, which is neutral and non-polar, with alanine, which is neutral and non-polar, at codon 986 of the CACNA1A protein (p.Pro986Ala). This variant is present in population databases (no rsID available, gnomAD 0.003%). This variant has not been reported in the literature in individuals affected with CACNA1A-related conditions. Advanced modeling of protein sequence and biophysical properties (such as structural, functional, and spatial information, amino acid conservation, physicochemical variation, residue mobility, and thermodynamic stability) performed at Invitae indicates that this missense variant is not expected to disrupt CACNA1A protein function with a negative predictive value of 95%. In summary, the available evidence is currently insufficient to determine the role of this variant in disease. Therefore, it has been classified as a Variant of Uncertain Significance.